The following is an entry in ClinVar:

NM_003072.5(SMARCA4):c.2227G>C (p.Asp743His)

Gene: SMARCA4 (SWI/SNF related BAF chromatin remodeling complex subunit ATPase 4; plus strand). Cytogenetic location: 19p13.2.
Variant type: single nucleotide variant.
Coding change: c.2227G>C on transcript NM_003072.5 (MANE Select); coding-DNA position 2227, G replaced by C.
Protein change: p.Asp743His; replaces aspartic acid 743 with histidine.
Molecular consequence: missense variant. On other transcripts: non-coding transcript variant (1).
Genome position (GRCh38, 1-based): chr19:11,010,484, G>C. VCF-style: chr19-11010484-G-C. GRCh37 (hg19) VCF-style: chr19-11121160-G-C.
Other names: c.2227G>C, p.Asp743His (NM_001128844.3, NM_001128845.2, NM_001128846.2 and 5 more transcripts); short protein forms D743H.
Identifiers: ClinVar variation 1692581 (VCV001692581.3), dbSNP rs2146237488, ClinGen allele CA404052874.

ClinVar aggregate classification (germline): Uncertain significance. Review status: criteria provided, multiple submitters, no conflicts (2 of 4 stars). 2 submissions from 2 submitters: Uncertain significance (2). Last evaluated 2024-05-01.

Conditions:
Hereditary cancer-predisposing syndrome. Also called: Hereditary Cancer Syndrome; Hereditary neoplastic syndrome; Neoplastic Syndromes, Hereditary; Tumor predisposition. Identifiers: Orphanet 140162, MedGen C0027672, MeSH D009386, MONDO:0015356.
Rhabdoid tumor predisposition syndrome 2 (RTPS2). Identifiers: Orphanet 231108, Orphanet 69077, MedGen C2750074, MONDO:0013224, OMIM 613325.

Submissions (2):

Labcorp Genetics (formerly Invitae), Labcorp
Classification: Uncertain significance for Rhabdoid tumor predisposition syndrome 2. Last evaluated: 2024-05-01. Review status: criteria provided, single submitter. Criteria: Invitae Variant Classification Sherloc (09022015). Collection method: clinical testing. Allele origin: germline.
Comment: This sequence change replaces aspartic acid, which is acidic and polar, with histidine, which is basic and polar, at codon 743 of the SMARCA4 protein (p.Asp743His). This variant is not present in population databases (gnomAD no frequency). This variant has not been reported in the literature in individuals affected with SMARCA4-related conditions. ClinVar contains an entry for this variant (Variation ID: 1692581). Advanced modeling of protein sequence and biophysical properties (such as structural, functional, and spatial information, amino acid conservation, physicochemical variation, residue mobility, and thermodynamic stability) has been performed at Invitae for this missense variant, however the output from this modeling did not meet the statistical confidence thresholds required to predict the impact of this variant on SMARCA4 protein function. In summary, the available evidence is currently insufficient to determine the role of this variant in disease. Therefore, it has been classified as a Variant of Uncertain Significance.

Sema4
Classification: Uncertain significance for Hereditary cancer-predisposing syndrome. Last evaluated: 2022-01-10. Review status: criteria provided, single submitter. Criteria: Sema4 Curation Guidelines. Collection method: curation. Allele origin: germline.
Comment: The SMARCA4 c.2227G>C (p.D743H) variant has not been reported in the literature to our knowledge. This variant is not reported in the large and broad cohorts of the Genome Aggregation Database (PMID: 32461654). This variant has not been reported in ClinVar. Functional studies have not been performed, and in silico predictions of the variant's effect on protein function are inconclusive. The overall evidence is insufficient to meet ACMG/AMP criteria for classifying it as benign or pathogenic. In summary, the clinical significance of this variant is currently uncertain.